The following is an entry in ClinVar:

NM_001171613.2(PREPL):c.1630-4_1630-3delinsAT

Gene: PREPL (prolyl endopeptidase like; minus strand). Cytogenetic location: 2p21.
Variant type: Indel.
Coding change: c.1630-4_1630-3delinsAT on transcript NM_001171613.2 (MANE Select); 4 bases into the intron before coding-DNA position 1630 through 3 bases into the intron before coding-DNA position 1630, TC replaced by AT.
Molecular consequence: intron variant.
Genome position (GRCh38, 1-based): chr2:44,322,857-44,322,858, GA replaced by AT on the plus strand (TC replaced by AT on the coding strand, the reverse complement: PREPL is on the minus strand). VCF-style: chr2-44322857-GA-AT. GRCh37 (hg19) VCF-style: chr2-44549996-GA-AT.
Other names: c.1630-4_1630-3delinsAT (NM_001171617.1, NM_001374277.1); c.1897-4_1897-3delinsAT (NM_001171603.1, NM_001374275.1, NM_001374276.1 and 2 more transcripts); c.1711-4_1711-3delinsAT (NM_001042385.2); c.1699-4_1699-3delinsAT (NM_001042386.2).
Identifiers: ClinVar variation 1002850 (VCV001002850.6), dbSNP rs1673117158, ClinGen allele CA2494222456.

ClinVar aggregate classification (germline): Uncertain significance (1 of 4 stars; one submission).

Conditions:
Myasthenic syndrome, congenital, 22 (CMS22). Also called: PREPL DEFICIENCY. Identifiers: MedGen C4479088, MONDO:0044299, OMIM 616224.

Submission:

Labcorp Genetics (formerly Invitae), Labcorp
Classification: Uncertain significance for Myasthenic syndrome, congenital, 22. Last evaluated: 2020-09-24. Review status: criteria provided, single submitter. Criteria: Invitae Variant Classification Sherloc (09022015). Collection method: clinical testing. Allele origin: germline.
Comment: Nucleotide substitutions within the consensus splice site are a relatively common cause of aberrant splicing (PMID: 17576681, 9536098). Algorithms developed to predict the effect of sequence changes on RNA splicing suggest that this variant is not likely to affect RNA splicing, but this prediction has not been confirmed by published transcriptional studies. This variant has not been reported in the literature in individuals with PREPL-related conditions. The frequency data for this variant in the population databases is not available, as this variant may be reported as separate entries in the ExAC database. This sequence change falls in intron 11 of the PREPL gene. It does not directly change the encoded amino acid sequence of the PREPL protein, but it affects a nucleotide within the consensus splice site of the intron. In summary, the available evidence is currently insufficient to determine the role of this variant in disease. Therefore, it has been classified as a Variant of Uncertain Significance.

Literature cited by the submitters: PubMed 17576681; PubMed 9536098.